The following is an entry in ClinVar:

ClinVar aggregate classification (germline): Uncertain significance. Review status: criteria provided, multiple submitters, no conflicts (2 of 4 stars). 2 submissions from 2 submitters: Uncertain significance (2). Last evaluated 2025-11-10.

Conditions:
Wilson disease (WND). Also called: Wilson's disease. Identifiers: Orphanet 905, MedGen C0019202, MONDO:0010200, OMIM 277900. Disease mechanism: loss of function.

Submissions (2):

Labcorp Genetics (formerly Invitae), Labcorp
Classification: Uncertain significance for Wilson disease. Last evaluated: 2025-11-10. Review status: criteria provided, single submitter. Criteria: Invitae Variant Classification Sherloc (09022015). Collection method: clinical testing. Allele origin: germline.
Comment: This sequence change replaces arginine, which is basic and polar, with glycine, which is neutral and non-polar, at codon 1319 of the ATP7B protein (p.Arg1319Gly). This variant is not present in population databases (gnomAD no frequency). This variant has not been reported in the literature in individuals affected with ATP7B-related conditions. ClinVar contains an entry for this variant (Variation ID: 1979378). Invitae Evidence Modeling of protein sequence and biophysical properties (such as structural, functional, and spatial information, amino acid conservation, physicochemical variation, residue mobility, and thermodynamic stability) indicates that this missense variant is not expected to disrupt ATP7B protein function with a negative predictive value of 80%. In summary, the available evidence is currently insufficient to determine the role of this variant in disease. Therefore, it has been classified as a Variant of Uncertain Significance.

All of Us Research Program, National Institutes of Health
Classification: Uncertain significance for Wilson disease. Last evaluated: 2023-11-20. Review status: criteria provided, single submitter. Criteria: ACMG Guidelines, 2015. Collection method: clinical testing. Allele origin: germline. Inheritance: Autosomal recessive inheritance. Observed: 1 variant allele, 1 heterozygote.
Comment: This missense variant replaces arginine with glycine at codon 1319 of the ATP7B protein. Computational prediction suggests that this variant may not impact protein structure and function (internally defined REVEL score threshold <= 0.5, PMID: 27666373). To our knowledge, functional studies have not been reported for this variant. This variant has not been reported in individuals affected with ATP7B-related disorders in the literature. This variant has not been identified in the general population by the Genome Aggregation Database (gnomAD). The available evidence is insufficient to determine the role of this variant in disease conclusively. Therefore, this variant is classified as a Variant of Uncertain Significance.

This study involves interpretation of variants in research participants for the purpose of population health screening. Participant phenotype was not available at the time of variant classification. Additional details can be found in publication PMID: 35346344, PMCID: PMC8962531

NM_000053.4(ATP7B):c.3955C>G (p.Arg1319Gly)

Gene: ATP7B (ATPase copper transporting beta; minus strand). Cytogenetic location: 13q14.3.
Variant type: single nucleotide variant.
Coding change: c.3955C>G on transcript NM_000053.4 (MANE Select); coding-DNA position 3955, C replaced by G.
Protein change: p.Arg1319Gly; replaces arginine 1319 with glycine.
Molecular consequence: missense variant.
Genome position (GRCh38, 1-based): chr13:51,937,342, G>C on the plus strand (C>G on the coding strand, the complement: ATP7B is on the minus strand). VCF-style: chr13-51937342-G-C. GRCh37 (hg19) VCF-style: chr13-52511478-G-C.
Other names: c.3772C>G, p.Arg1258Gly (NM_001406523.1); c.3778C>G, p.Arg1260Gly (NM_001406524.1); c.3760C>G, p.Arg1254Gly (NM_001406525.1); c.3751C>G, p.Arg1251Gly (NM_001406526.1); c.3715C>G, p.Arg1239Gly (NM_001406530.1); c.3703C>G, p.Arg1235Gly (NM_001406531.1, NM_001406532.1, NM_001330579.2); c.3667C>G, p.Arg1223Gly (NM_001406534.1); c.3721C>G, p.Arg1241Gly (NM_001406527.1, NM_001406528.1, NM_001330578.2); and 21 more; short protein forms R1038G, R1103G, R1170G, R1193G, R1235G, R1239G, R1251G, R1254G.
Identifiers: ClinVar variation 1979378 (VCV001979378.3), dbSNP rs193922109, ClinGen allele CA388021090.